The following is an entry in ClinVar:

ClinVar aggregate classification (germline): Uncertain significance (1 of 4 stars; one submission).

Conditions:
Peroxisome biogenesis disorder 12A (Zellweger). Also called: Peroxisome biogenesis disorder 12A. Identifiers: Orphanet 912, MedGen C3554002, MONDO:0013951, OMIM 614886.

Allele frequency attached by ClinVar (database versions not stated): gnomAD exomes below 0.00001.
gnomAD v4.1: 1 of 1,614,114 alleles (0.000062%); highest among the groups gnomAD compares: Non-Finnish European, 0.000085%; no homozygotes.

Submission:

Labcorp Genetics (formerly Invitae), Labcorp
Classification: Uncertain significance for Peroxisome biogenesis disorder 12A (Zellweger). Last evaluated: 2022-08-05. Review status: criteria provided, single submitter. Criteria: Invitae Variant Classification Sherloc (09022015). Collection method: clinical testing. Allele origin: germline.
Comment: Algorithms developed to predict the effect of missense changes on protein structure and function are either unavailable or do not agree on the potential impact of this missense change (SIFT: "Deleterious"; PolyPhen-2: "Probably Damaging"; Align-GVGD: "Class C0"). This sequence change replaces leucine, which is neutral and non-polar, with proline, which is neutral and non-polar, at codon 188 of the PEX19 protein (p.Leu188Pro). This variant is not present in population databases (gnomAD no frequency). This variant has not been reported in the literature in individuals affected with PEX19-related conditions. In summary, the available evidence is currently insufficient to determine the role of this variant in disease. Therefore, it has been classified as a Variant of Uncertain Significance.

NM_002857.4(PEX19):c.563T>C (p.Leu188Pro)

Gene: PEX19 (peroxisomal biogenesis factor 19; minus strand). Cytogenetic location: 1q23.2.
Variant type: single nucleotide variant.
Coding change: c.563T>C on transcript NM_002857.4 (MANE Select); coding-DNA position 563, T replaced by C.
Protein change: p.Leu188Pro; replaces leucine 188 with proline.
Molecular consequence: missense variant. On other transcripts: non-coding transcript variant (2).
Genome position (GRCh38, 1-based): chr1:160,282,070, A>G on the plus strand (T>C on the coding strand, the complement: PEX19 is on the minus strand). VCF-style: chr1-160282070-A-G. GRCh37 (hg19) VCF-style: chr1-160251860-A-G.
Other names: c.563T>C, p.Leu188Pro (NM_001193644.1); short protein forms L188P.
Identifiers: ClinVar variation 1715154 (VCV001715154.5), dbSNP rs2525310983, ClinGen allele CA343259869.